The following is an entry in ClinVar:

ClinVar aggregate classification (germline): Uncertain significance (1 of 4 stars; one submission).

Conditions:
Fanconi anemia (FA). Also called: Fanconi's anemia. Identifiers: Orphanet 84, MedGen C0015625, MeSH D005199, MONDO:0019391.

Submission:

Labcorp Genetics (formerly Invitae), Labcorp
Classification: Uncertain significance for Fanconi anemia. Last evaluated: 2021-06-03. Review status: criteria provided, single submitter. Criteria: Invitae Variant Classification Sherloc (09022015). Collection method: clinical testing. Allele origin: germline.
Comment: In summary, the available evidence is currently insufficient to determine the role of this variant in disease. Therefore, it has been classified as a Variant of Uncertain Significance. This sequence change replaces glutamic acid with glycine at codon 1218 of the FANCM protein (p.Glu1218Gly). The glutamic acid residue is weakly conserved and there is a moderate physicochemical difference between glutamic acid and glycine. This variant is not present in population databases (ExAC no frequency). This variant has not been reported in the literature in individuals with FANCM-related conditions. Algorithms developed to predict the effect of missense changes on protein structure and function output the following: SIFT: "Tolerated"; PolyPhen-2: "Benign"; Align-GVGD: "Class C0". The glycine amino acid residue is found in multiple mammalian species, suggesting that this missense change does not adversely affect protein function. These predictions have not been confirmed by published functional studies and their clinical significance is uncertain.

NM_020937.4(FANCM):c.3653A>G (p.Glu1218Gly)

Gene: FANCM (FA complementation group M; plus strand). Cytogenetic location: 14q21.2.
Variant type: single nucleotide variant.
Coding change: c.3653A>G on transcript NM_020937.4 (MANE Select); coding-DNA position 3653, A replaced by G.
Protein change: p.Glu1218Gly; replaces glutamic acid 1218 with glycine.
Molecular consequence: missense variant.
Genome position (GRCh38, 1-based): chr14:45,176,407, A>G. VCF-style: chr14-45176407-A-G. GRCh37 (hg19) VCF-style: chr14-45645610-A-G.
Other names: c.3575A>G, p.Glu1192Gly (NM_001308133.2); short protein forms E1218G, E1192G.
Identifiers: ClinVar variation 1396325 (VCV001396325.8), dbSNP rs2139250247, ClinGen allele CA389602469.
Genomic context (GRCh38, chr14:45,176,407, plus strand): 5'-CTAATAGTTTTAAATCTCGTGATCAGAGAGGTGTACAGGAAGAAAAAGTGAAGAATCATG[A>G]GGATATTTTTGATTGCTCTAGGGATTTATTTTCTGTTACCTTTGATTTAGGATTCTGTAG-3'
Protein context (NP_065988.1, residues 1208-1228): GVQEEKVKNH[Glu1218Gly]DIFDCSRDLF